The following is an entry in ClinVar:

ClinVar aggregate classification (germline): Conflicting classifications of pathogenicity. Review status: criteria provided, conflicting classifications (1 of 4 stars). 3 submissions from 3 submitters: Uncertain significance (1); Benign (1). 1 of the submissions does not count toward it. Last evaluated 2026-01-20.

Conditions:
Fraser syndrome 1 (FRASRS1). Also called: CRYPTOPHTHALMOS WITH OTHER MALFORMATIONS. Identifiers: Orphanet 2052, MedGen C4551480, MONDO:0054737, OMIM 219000.
FRAS1-related disorder. Also called: FRAS1-related condition.

Allele frequency attached by ClinVar (database versions not stated): gnomAD exomes 0.00004; gnomAD 0.00007; TOPMed 0.00011; ExAC 0.00017; 1000 Genomes Project 30x 0.00031; 1000 Genomes Project 0.00040.
gnomAD v4.1: 62 of 1,611,578 alleles (0.0038%); highest among the groups gnomAD compares: East Asian, 0.12%; no homozygotes.

Submissions (3):

Labcorp Genetics (formerly Invitae), Labcorp
Classification: Benign. Last evaluated: 2026-01-20. Review status: criteria provided, single submitter. Criteria: Invitae Variant Classification Sherloc (09022015). Collection method: clinical testing. Allele origin: germline.

Fulgent Genetics
Classification: Uncertain significance for Fraser syndrome 1. Last evaluated: 2024-05-21. Review status: criteria provided, single submitter. Criteria: ACMG Guidelines, 2015. Collection method: clinical testing. Allele origin: germline.

PreventionGenetics, part of Exact Sciences
Classification: Likely benign for FRAS1-related condition. Last evaluated: 2023-11-03. Review status: no assertion criteria provided. Collection method: clinical testing. Allele origin: germline. Not counted in ClinVar's aggregate classification.
Comment: This variant is classified as likely benign based on ACMG/AMP sequence variant interpretation guidelines (Richards et al. 2015 PMID: 25741868, with internal and published modifications).

NM_025074.7(FRAS1):c.10930C>T (p.Leu3644=)

Genes: FRAS1 (Fraser extracellular matrix complex subunit 1; plus strand), LOC126807089 (CDK7 strongly-dependent group 2 enhancer GRCh37_chr4:79455131-79456330; plus strand). Cytogenetic location: 4q21.21.
Variant type: single nucleotide variant.
Coding change: c.10930C>T on transcript NM_025074.7 (MANE Select); coding-DNA position 10930, C replaced by T.
Protein change: p.Leu3644=; no amino-acid change (leucine 3644 retained).
Molecular consequence: synonymous variant.
Genome position (GRCh38, 1-based): chr4:78,534,453, C>T. VCF-style: chr4-78534453-C-T. GRCh37 (hg19) VCF-style: chr4-79455607-C-T.
Other names: c.10930C>T (NM_025074.6).
Identifiers: ClinVar variation 2806355 (VCV002806355.6), dbSNP rs183729151, ClinGen allele CA2979107.